The following is an entry in ClinVar:

ClinVar aggregate classification (germline): Pathogenic/Likely pathogenic. Review status: criteria provided, multiple submitters, no conflicts (2 of 4 stars). 2 submissions from 2 submitters: Pathogenic (1); Likely pathogenic (1). Last evaluated 2025-09-10.

Conditions:
X-linked Alport syndrome (ATS1). Also called: COL4A5-Related Nephropathy; NEPHROPATHY AND DEAFNESS, X-LINKED. Identifiers: Orphanet 63, Orphanet 88917, MedGen C4746986, MONDO:0010520, OMIM 301050.

Submissions (2):

Natera, Inc.
Classification: Pathogenic for X-linked Alport syndrome. Last evaluated: 2025-09-10. Review status: criteria provided, single submitter. Criteria: Natera Variant Classification Schema (03/2026). Collection method: clinical testing. Allele origin: germline.
Comment: The c.2404G>A variant in COL4A5 is a missense variant predicted to cause substitution of glycine to arginine at amino acid 802. This variant is rare in the general population with a frequency below the threshold expected for the associated phenotype(s). This variant has been observed in affected individual(s) with monoallelic occurrence (heterozygous/hemizygous) (PMID: 36874354). This variant is located in a functionally critical region of the protein. A different variant at the same position has been determined to be Pathogenic or Likely Pathogenic. Computational prediction algorithms indicate this variant is likely to affect gene or protein function. Given the available evidence, this variant is classified as Pathogenic.

Labcorp Genetics (formerly Invitae), Labcorp
Classification: Likely pathogenic. Last evaluated: 2022-11-09. Review status: criteria provided, single submitter. Criteria: Invitae Variant Classification Sherloc (09022015). Collection method: clinical testing. Allele origin: germline.
Comment: In summary, the currently available evidence indicates that the variant is pathogenic, but additional data are needed to prove that conclusively. Therefore, this variant has been classified as Likely Pathogenic. This variant disrupts the p.Gly802 amino acid residue in COL4A5. Other variant(s) that disrupt this residue have been observed in individuals with COL4A5-related conditions (PMID: 8940267, 27796712), which suggests that this may be a clinically significant amino acid residue. This variant disrupts the triple helix domain of COL4A5. Glycine residues within the Gly-Xaa-Yaa repeats of the triple helix domain are required for the structure and stability of fibrillar collagens (PMID: 7695699, 8218237, 19344236). In COL4A5, missense variants at these glycine residues are significantly enriched in individuals with disease (PMID: 23720012, 27627812) compared to the general population (ExAC). Advanced modeling of protein sequence and biophysical properties (such as structural, functional, and spatial information, amino acid conservation, physicochemical variation, residue mobility, and thermodynamic stability) performed at Invitae indicates that this missense variant is expected to disrupt COL4A5 protein function. This missense change has been observed in individual(s) with Alport syndrome (PMID: 8940267). This variant is not present in population databases (gnomAD no frequency). This sequence change replaces glycine, which is neutral and non-polar, with arginine, which is basic and polar, at codon 802 of the COL4A5 protein (p.Gly802Arg).

Literature cited by the submitters: PubMed 36874354 (cited by Natera, Inc.); PubMed 8940267 (cited by Labcorp Genetics (formerly Invitae), Labcorp); PubMed 27796712 (cited by Labcorp Genetics (formerly Invitae), Labcorp); PubMed 7695699 (cited by Labcorp Genetics (formerly Invitae), Labcorp); PubMed 8218237 (cited by Labcorp Genetics (formerly Invitae), Labcorp); PubMed 19344236 (cited by Labcorp Genetics (formerly Invitae), Labcorp); PubMed 23720012 (cited by Labcorp Genetics (formerly Invitae), Labcorp); PubMed 27627812 (cited by Labcorp Genetics (formerly Invitae), Labcorp).

NM_033380.3(COL4A5):c.2404G>A (p.Gly802Arg)

Gene: COL4A5 (collagen type IV alpha 5 chain; plus strand). Cytogenetic location: Xq22.3.
Variant type: single nucleotide variant.
Coding change: c.2404G>A on transcript NM_033380.3 (MANE Select); coding-DNA position 2404, G replaced by A.
Protein change: p.Gly802Arg; replaces glycine 802 with arginine.
Molecular consequence: missense variant.
Genome position (GRCh38, 1-based): chrX:108,614,919, G>A. VCF-style: chrX-108614919-G-A. GRCh37 (hg19) VCF-style: chrX-107858149-G-A.
Other names: c.2404G>A, p.Gly802Arg (NM_000495.5); c.2404G>A (NM_000495.4); short protein forms G802R.
Identifiers: ClinVar variation 2737343 (VCV002737343.4), dbSNP rs104886179, ClinGen allele CA258678.